The following is an entry in ClinVar:

NM_020457.3(THAP11):c.464C>G (p.Ala155Gly)

Genes: CENPT (centromere protein T; minus strand), THAP11 (THAP domain containing 11; plus strand). Cytogenetic location: 16q22.1.
Variant type: single nucleotide variant.
Coding change: c.464C>G on transcript NM_020457.3 (MANE Select); coding-DNA position 464, C replaced by G.
Protein change: p.Ala155Gly; replaces alanine 155 with glycine.
Molecular consequence: missense variant. On other transcripts: intron variant (1).
Genome position (GRCh38, 1-based): chr16:67,843,018, C>G. VCF-style: chr16-67843018-C-G. GRCh37 (hg19) VCF-style: chr16-67876921-C-G.
Other names: c.-492+4383G>C (NM_025082.4); short protein forms A155G.
Identifiers: ClinVar variation 2802115 (VCV002802115.3), dbSNP rs763038750, ClinGen allele CA8118282.

ClinVar aggregate classification (germline): Uncertain significance (1 of 4 stars; one submission).

Allele frequency attached by ClinVar (database versions not stated): gnomAD exomes 0.00001; ExAC 0.00004.
gnomAD v4.1: 15 of 1,612,608 alleles (0.00093%); highest among the groups gnomAD compares: South Asian, 0.015%; 1 homozygote.

Submission:

Labcorp Genetics (formerly Invitae), Labcorp
Classification: Uncertain significance. Last evaluated: 2024-01-04. Review status: criteria provided, single submitter. Criteria: Invitae Variant Classification Sherloc (09022015). Collection method: clinical testing. Allele origin: germline.
Comment: This sequence change replaces alanine, which is neutral and non-polar, with glycine, which is neutral and non-polar, at codon 155 of the THAP11 protein (p.Ala155Gly). This variant is present in population databases (rs763038750, gnomAD 0.02%). This variant has not been reported in the literature in individuals affected with THAP11-related conditions. Advanced modeling of protein sequence and biophysical properties (such as structural, functional, and spatial information, amino acid conservation, physicochemical variation, residue mobility, and thermodynamic stability) performed at Invitae indicates that this missense variant is not expected to disrupt THAP11 protein function with a negative predictive value of 80%. In summary, the available evidence is currently insufficient to determine the role of this variant in disease. Therefore, it has been classified as a Variant of Uncertain Significance.